The following is an entry in ClinVar:

NM_001142864.4(PIEZO1):c.1232C>T (p.Pro411Leu)

Genes: HSALR1 (HSP90AB1 associated lncRNA 1; plus strand), PIEZO1 (piezo type mechanosensitive ion channel component 1 (Er blood group); minus strand). Cytogenetic location: 16q24.3.
Variant type: single nucleotide variant.
Coding change: c.1232C>T on transcript NM_001142864.4 (MANE Select); coding-DNA position 1232, C replaced by T.
Protein change: p.Pro411Leu; replaces proline 411 with leucine.
Molecular consequence: missense variant.
Genome position (GRCh38, 1-based): chr16:88,736,703, G>A on the plus strand (C>T on the coding strand, the complement: PIEZO1 is on the minus strand). VCF-style: chr16-88736703-G-A. GRCh37 (hg19) VCF-style: chr16-88803111-G-A.
Other names: p.Pro411Leu; c.1232C>T (NM_001142864.2); short protein forms P411L.
Identifiers: ClinVar variation 1330937 (VCV001330937.15), dbSNP rs369091041, ClinGen allele CA8233055.

ClinVar aggregate classification (germline): Conflicting classifications of pathogenicity. Review status: criteria provided, conflicting classifications (1 of 4 stars). 5 submissions from 5 submitters: Uncertain significance (2); Likely benign (3). Last evaluated 2026-01-15.

Conditions:
Inborn genetic diseases. Identifiers: MedGen C0950123, MeSH D030342.

Allele frequency attached by ClinVar (database versions not stated): gnomAD exomes 0.00015 and 0.00024; ExAC 0.00021; 1000 Genomes Project 30x 0.00031; 1000 Genomes Project 0.00040; gnomAD 0.00043 and 0.00044; TOPMed 0.00054; ESP Exome Variant Server 0.00066.
gnomAD v4.1: 287 of 1,532,848 alleles (0.019%); highest among the groups gnomAD compares: African/African-American, 0.14%; no homozygotes.

Submissions (5):

Labcorp Genetics (formerly Invitae), Labcorp
Classification: Likely benign. Last evaluated: 2026-01-15. Review status: criteria provided, single submitter. Criteria: Invitae Variant Classification Sherloc (09022015). Collection method: clinical testing. Allele origin: germline.

Mayo Clinic Laboratories, Mayo Clinic
Classification: Likely benign. Last evaluated: 2024-11-15. Review status: criteria provided, single submitter. Criteria: ACMG Guidelines, 2015. Collection method: clinical testing. Allele origin: germline. Observed: 11 variant alleles.
Comment: BS1, BP4

Revvity Omics, Revvity
Classification: Uncertain significance. Last evaluated: 2024-07-12. Review status: criteria provided, single submitter. Criteria: ACMG Guidelines, 2015. Collection method: clinical testing. Allele origin: germline.

Ambry Genetics
Classification: Uncertain significance for Inborn genetic diseases. Last evaluated: 2024-06-16. Review status: criteria provided, single submitter. Criteria: Ambry Variant Classification Scheme 2023. Collection method: clinical testing. Allele origin: germline.

ARUP Laboratories, Molecular Genetics and Genomics, ARUP Laboratories
Classification: Likely benign. Last evaluated: 2021-05-22. Review status: criteria provided, single submitter. Criteria: ARUP Molecular Germline Variant Investigation Process 2021. Collection method: clinical testing. Allele origin: germline.